The following is an entry in ClinVar:

NM_001164508.2(NEB):c.24203dup (p.Ser8068fs)

Genes: NEB (nebulin; minus strand), RIF1 (replication timing regulatory factor 1; plus strand). Cytogenetic location: 2q23.3.
Variant type: Duplication.
Coding change: c.24203dup on transcript NM_001164508.2 (MANE Select); coding-DNA position 24203, one base duplicated (G; older notation c.24203dupG).
Protein change: p.Ser8068fs; shifts the reading frame from serine 8068.
Molecular consequence: frameshift variant. On other transcripts: intron variant (1).
Genome position (GRCh38, 1-based): chr2:151,498,264, C duplicated on the plus strand (G on the coding strand, the reverse complement: NEB is on the minus strand). VCF-style (leftmost placement, unchanged base first): chr2-151498263-G-GC. GRCh37 (hg19) VCF-style: chr2-152354777-G-GC.
Other names: c.24203dup, p.Ser8068fs (NM_001164507.2); c.24308dup, p.Ser8103fs (NM_001271208.2); c.18826-1896dup (NM_004543.5); short protein forms S8068fs, S8103fs.
Identifiers: ClinVar variation 4855443 (VCV004855443.1).
Genomic context (GRCh38, chr2:151,498,263, plus strand): 5'-AAGATCAGTTTAATTCTGAAGTTAAGTGGCATTTTTTCCCCTTTCTTTCCAAAATACCGA[G>GC]CTAAGGTTTTCTTGATTGTGTTTGACTCTCTGCATCTCAGGAGTGATGGGGATTGGAATT-3'

ClinVar aggregate classification (germline): Likely pathogenic (1 of 4 stars; one submission).

Conditions:
Nemaline myopathy 2 (NEM2). Also called: Nemaline myopathy 2, autosomal recessive. Identifiers: MedGen C1850569, MONDO:0009725, OMIM 256030.

Submission:

3billion
Classification: Likely pathogenic for Nemaline myopathy 2. Last evaluated: 2025-09-08. Review status: criteria provided, single submitter. Criteria: ACMG Guidelines, 2015. Collection method: clinical testing. Allele origin: germline. Affected: yes.
Comment: The variant is not observed in the gnomAD v4.1.0 dataset. Predicted Consequence/Location: Frameshift: predicted to result in a loss or disruption of normal protein function through nonsense-mediated decay (NMD) or protein truncation. Multiple pathogenic variants are reported downstream of the variant. Therefore, this variant is classified as Likely pathogenic according to the recommendation of ACMG/AMP guideline.